The following is an entry in ClinVar:

ClinVar aggregate classification (germline): Likely benign (1 of 4 stars; one submission).

Conditions:
PKD1-related disorder. Also called: PKD1-related condition.

gnomAD v4.1: 4 of 1,605,152 alleles (0.00025%); highest among the groups gnomAD compares: East Asian, 0.0067%; no homozygotes.

Submission:

PreventionGenetics, part of Exact Sciences
Classification: Likely benign for PKD1-related condition. Last evaluated: 2026-08-26. Review status: criteria provided, single submitter. Criteria: ACMG Guidelines, 2015. Collection method: clinical testing. Allele origin: germline.
Comment: This variant is classified as likely benign based on ACMG/AMP sequence variant interpretation guidelines (Richards et al. 2015 PMID: 25741868, with internal and published modifications).

NM_001009944.3(PKD1):c.12537C>T (p.Ser4179=)

Gene: PKD1 (polycystin 1, transient receptor potential channel interacting; minus strand). Cytogenetic location: 16p13.3.
Variant type: single nucleotide variant.
Coding change: c.12537C>T on transcript NM_001009944.3 (MANE Select); coding-DNA position 12537, C replaced by T.
Protein change: p.Ser4179=; no amino-acid change (serine 4179 retained).
Molecular consequence: synonymous variant.
Genome position (GRCh38, 1-based): chr16:2,090,102, G>A on the plus strand (C>T on the coding strand, the complement: PKD1 is on the minus strand). VCF-style: chr16-2090102-G-A. GRCh37 (hg19) VCF-style: chr16-2140103-G-A.
Other names: c.12534C>T, p.Ser4178= (NM_000296.4).
Identifiers: ClinVar variation 4983918 (VCV004983918.1).